The following is an entry in ClinVar:

NM_003482.4(KMT2D):c.8946A>G (p.Glu2982=)

Gene: KMT2D (lysine methyltransferase 2D; minus strand). Cytogenetic location: 12q13.12.
Variant type: single nucleotide variant.
Coding change: c.8946A>G on transcript NM_003482.4 (MANE Select); coding-DNA position 8946, A replaced by G.
Protein change: p.Glu2982=; no amino-acid change (glutamic acid 2982 retained).
Molecular consequence: synonymous variant.
Genome position (GRCh38, 1-based): chr12:49,038,410, T>C on the plus strand (A>G on the coding strand, the complement: KMT2D is on the minus strand). VCF-style: chr12-49038410-T-C. GRCh37 (hg19) VCF-style: chr12-49432193-T-C.
Other names: c.8946A>G (NM_003482.3).
Identifiers: ClinVar variation 1628738 (VCV001628738.10), dbSNP rs369850197, ClinGen allele CA6546763.
Genomic context (GRCh38, chr12:49,038,410, plus strand): 5'-GGCCTTGTGGGCATCAAAATCGTCATCCAGCTCGGGATCCTCACAGGGCAACTTCCCAGC[T>C]TCCAGGGCCAGAGGATTGGGGCGGCCAAGCTCAGTGCTCGACGGGGGCCGGTTGACCAGC-3'
Protein context (NP_003473.3, residues 2972-2992): ELGRPNPLAL[Glu2982=]AGKLPCEDPE

ClinVar aggregate classification (germline): Likely benign. Review status: criteria provided, single submitter (1 of 4 stars). 2 submissions from 2 submitters: Likely benign (1). 1 of the submissions does not count toward it. Last evaluated 2025-12-01.

Conditions:
Kabuki syndrome. Also called: NIIKAWA-KUROKI SYNDROME; Kabuki make-up syndrome. Identifiers: Orphanet 2322, MedGen C0796004, MONDO:0016512.
KMT2D-related disorder. Also called: KMT2D-Related Disorders.

Allele frequency attached by ClinVar (database versions not stated): gnomAD exomes 0.00001 and 0.00005; ExAC 0.00001; TOPMed 0.00005; gnomAD 0.00002; ESP Exome Variant Server 0.00008.
gnomAD v4.1: 69 of 1,613,586 alleles (0.0043%); highest among the groups gnomAD compares: Non-Finnish European, 0.0058%; no homozygotes.

Submissions (2):

Labcorp Genetics (formerly Invitae), Labcorp
Classification: Likely benign for Kabuki syndrome. Last evaluated: 2025-12-01. Review status: criteria provided, single submitter. Criteria: Invitae Variant Classification Sherloc (09022015). Collection method: clinical testing. Allele origin: germline.

PreventionGenetics, part of Exact Sciences
Classification: Likely benign for KMT2D-related condition. Last evaluated: 2022-02-07. Review status: no assertion criteria provided. Collection method: clinical testing. Allele origin: germline. Not counted in ClinVar's aggregate classification.
Comment: This variant is classified as likely benign based on ACMG/AMP sequence variant interpretation guidelines (Richards et al. 2015 PMID: 25741868, with internal and published modifications).